The following is an entry in ClinVar:

ClinVar aggregate classification (germline): Uncertain significance (1 of 4 stars; one submission).

Conditions:
Multiple sulfatase deficiency (MSD). Also called: Mucosulfatidosis; Multiple Sulfatase Deficiency Disease; Sulfatidosis, Juvenile, Austin Type. Identifiers: Orphanet 585, MedGen C0268263, MONDO:0010088, OMIM 272200.

Submission:

Labcorp Genetics (formerly Invitae), Labcorp
Classification: Uncertain significance for Multiple sulfatase deficiency. Last evaluated: 2022-08-02. Review status: criteria provided, single submitter. Criteria: Invitae Variant Classification Sherloc (09022015). Collection method: clinical testing. Allele origin: germline.
Comment: This sequence change replaces tryptophan, which is neutral and slightly polar, with arginine, which is basic and polar, at codon 301 of the SUMF1 protein (p.Trp301Arg). In summary, the available evidence is currently insufficient to determine the role of this variant in disease. Therefore, it has been classified as a Variant of Uncertain Significance. Algorithms developed to predict the effect of missense changes on protein structure and function (SIFT, PolyPhen-2, Align-GVGD) all suggest that this variant is likely to be disruptive. This variant has not been reported in the literature in individuals affected with SUMF1-related conditions. This variant is not present in population databases (gnomAD no frequency).

NM_182760.4(SUMF1):c.901T>C (p.Trp301Arg)

Gene: SUMF1 (sulfatase modifying factor 1; minus strand). Cytogenetic location: 3p26.1.
Variant type: single nucleotide variant.
Coding change: c.901T>C on transcript NM_182760.4 (MANE Select); coding-DNA position 901, T replaced by C.
Protein change: p.Trp301Arg; replaces tryptophan 301 with arginine.
Molecular consequence: missense variant.
Genome position (GRCh38, 1-based): chr3:4,410,918, A>G on the plus strand (T>C on the coding strand, the complement: SUMF1 is on the minus strand). VCF-style: chr3-4410918-A-G. GRCh37 (hg19) VCF-style: chr3-4452602-A-G.
Other names: c.826T>C, p.Trp276Arg (NM_001164674.2); c.901T>C, p.Trp301Arg (NM_001164675.2); short protein forms W301R, W276R.
Identifiers: ClinVar variation 1933676 (VCV001933676.5), dbSNP rs2469825791, ClinGen allele CA351631313.